The following is an entry in ClinVar:

ClinVar aggregate classification (germline): Likely benign (1 of 4 stars; one submission).

Submission:

CeGaT Center for Human Genetics Tuebingen
Classification: Likely benign. Last evaluated: 2026-04-01. Review status: criteria provided, single submitter. Criteria: CeGaT Center For Human Genetics Tuebingen Variant Classification Criteria Version 2. Collection method: clinical testing. Allele origin: germline. Affected: yes. Observed: 1 variant allele.
Comment: ARID2: BP4, BP7

NM_152641.4(ARID2):c.5067G>A (p.Lys1689=)

Gene: ARID2 (AT-rich interaction domain 2; plus strand). Cytogenetic location: 12q12.
Variant type: single nucleotide variant.
Coding change: c.5067G>A on transcript NM_152641.4 (MANE Select); coding-DNA position 5067, G replaced by A.
Protein change: p.Lys1689=; no amino-acid change (lysine 1689 retained).
Molecular consequence: synonymous variant.
Genome position (GRCh38, 1-based): chr12:45,892,016, G>A. VCF-style: chr12-45892016-G-A. GRCh37 (hg19) VCF-style: chr12-46285799-G-A.
Other names: c.5067G>A, p.Lys1689= (NM_001347839.2).
Identifiers: ClinVar variation 4873696 (VCV004873696.2).